The following is an entry in ClinVar:

ClinVar aggregate classification (germline): Uncertain significance (1 of 4 stars; one submission).

Conditions:
Hereditary cancer-predisposing syndrome. Also called: Tumor predisposition; Neoplastic Syndromes, Hereditary; Hereditary neoplastic syndrome; Hereditary Cancer Syndrome. Identifiers: Orphanet 140162, MedGen C0027672, MeSH D009386, MONDO:0015356.

Submission:

Ambry Genetics
Classification: Uncertain significance for Hereditary cancer-predisposing syndrome. Last evaluated: 2025-09-03. Review status: criteria provided, single submitter. Criteria: Ambry Variant Classification Scheme 2023. Collection method: clinical testing. Allele origin: germline.
Comment: The p.N600D variant (also known as c.1798A>G), located in coding exon 4 of the MSH6 gene, results from an A to G substitution at nucleotide position 1798. The asparagine at codon 600 is replaced by aspartic acid, an amino acid with highly similar properties. This amino acid position is highly conserved in available vertebrate species. In addition, the in silico prediction for this alteration is inconclusive. Based on the available evidence, the clinical significance of this variant remains unclear.

NM_000179.3(MSH6):c.1798A>G (p.Asn600Asp)

Gene: MSH6 (mutS homolog 6; plus strand). Cytogenetic location: 2p16.3.
Variant type: single nucleotide variant.
Coding change: c.1798A>G on transcript NM_000179.3 (MANE Select); coding-DNA position 1798, A replaced by G.
Protein change: p.Asn600Asp; replaces asparagine 600 with aspartic acid.
Molecular consequence: missense variant. On other transcripts: non-coding transcript variant (4), intron variant (2).
Genome position (GRCh38, 1-based): chr2:47,799,781, A>G. VCF-style: chr2-47799781-A-G. GRCh37 (hg19) VCF-style: chr2-48026920-A-G.
Other names: c.892A>G, p.Asn298Asp (NM_001406814.1, NM_001406815.1, NM_001406816.1 and 6 more transcripts); c.1501A>G, p.Asn501Asp (NM_001406818.1, NM_001406819.1, NM_001406820.1 and 10 more transcripts); c.1630A>G, p.Asn544Asp (NM_001406826.1); c.1606+192A>G (NM_001406817.1); c.628-885A>G (NM_001407362.1); c.1408A>G, p.Asn470Asp (NM_001281492.2); c.1894A>G, p.Asn632Asp (NM_001406795.1, NM_001406802.1); c.1798A>G, p.Asn600Asp (NM_001406796.1, NM_001406798.1, NM_001406800.1 and 3 more transcripts); and 3 more; short protein forms N425D, N470D, N574D, N600D, N298D, N632D, N501D, N544D.
Identifiers: ClinVar variation 4111236 (VCV004111236.1).